The following is an entry in ClinVar:

ClinVar aggregate classification (germline): Uncertain significance (1 of 4 stars; one submission).

Submission:

Labcorp Genetics (formerly Invitae), Labcorp
Classification: Uncertain significance. Last evaluated: 2021-01-10. Review status: criteria provided, single submitter. Criteria: Invitae Variant Classification Sherloc (09022015). Collection method: clinical testing. Allele origin: germline.
Comment: In summary, the available evidence is currently insufficient to determine the role of this variant in disease. Therefore, it has been classified as a Variant of Uncertain Significance. Algorithms developed to predict the effect of sequence changes on RNA splicing suggest that this variant may disrupt the consensus splice site, but this prediction has not been confirmed by published transcriptional studies. This variant has not been reported in the literature in individuals with CTNNA1-related conditions. This variant is not present in population databases (ExAC no frequency). This sequence change falls in intron 2 of the CTNNA1 gene. It does not directly change the encoded amino acid sequence of the CTNNA1 protein, but it affects a nucleotide within the consensus splice site of the intron.

NM_001903.5(CTNNA1):c.105+5_105+31del

Gene: CTNNA1 (catenin alpha 1; plus strand). Cytogenetic location: 5q31.2.
Variant type: Deletion.
Coding change: c.105+5_105+31del on transcript NM_001903.5 (MANE Select); bases 5 to 31 of the intron after coding-DNA position 105, 27 bases deleted (GAATCTGAAAACACAAATACATTGTAA).
Molecular consequence: splice donor variant.
Genome position (GRCh38, 1-based): chr5:138,782,034-138,782,060, GAATCTGAAAACACAAATACATTGTAA deleted; deleting any 27 consecutive bases within chr5:138,782,030-138,782,060 gives the same sequence; the c. name uses the placement nearest the transcript's 3' end. VCF-style (leftmost placement, unchanged base first): chr5-138782029-GGTAAGAATCTGAAAACACAAATACATT-G. GRCh37 (hg19) VCF-style: chr5-138117718-GGTAAGAATCTGAAAACACAAATACATT-G.
Other names: c.105+5_105+31del (NM_001290307.3, NM_001323985.2, NM_001323982.2 and 3 more transcripts); c.-102+5_-102+31del (NM_001290310.3); c.-9+5_-9+31del (NM_001290309.3).
Identifiers: ClinVar variation 1491846 (VCV001491846.8), dbSNP rs2149652129, ClinGen allele CA2573139200.